The following is an entry in ClinVar:

ClinVar aggregate classification (germline): Conflicting classifications of pathogenicity. Review status: criteria provided, conflicting classifications (1 of 4 stars). 2 submissions from 2 submitters: Uncertain significance (1); Likely benign (1). Last evaluated 2019-04-11.

Conditions:
Dilated cardiomyopathy 1W (CMD1W). Identifiers: Orphanet 154, MedGen C1969639, MONDO:0012667, OMIM 611407.

Submissions (2):

Labcorp Genetics (formerly Invitae), Labcorp
Classification: Uncertain significance for Dilated cardiomyopathy 1W. Last evaluated: 2019-04-11. Review status: criteria provided, single submitter. Criteria: Invitae Variant Classification Sherloc (09022015). Collection method: clinical testing. Allele origin: germline.
Comment: This sequence change replaces alanine with glycine at codon 446 of the VCL protein (p.Ala446Gly). The alanine residue is weakly conserved and there is a small physicochemical difference between alanine and glycine. This variant is not present in population databases (ExAC no frequency). This variant has not been reported in the literature in individuals with VCL-related conditions. ClinVar contains an entry for this variant (Variation ID: 179157). Algorithms developed to predict the effect of missense changes on protein structure and function output the following: SIFT: "Tolerated"; PolyPhen-2: "Benign"; Align-GVGD: "Class C0". The glycine amino acid residue is found in multiple mammalian species, suggesting that this missense change does not adversely affect protein function. These predictions have not been confirmed by published functional studies and their clinical significance is uncertain. In summary, the available evidence is currently insufficient to determine the role of this variant in disease. Therefore, it has been classified as a Variant of Uncertain Significance.

Laboratory for Molecular Medicine, Mass General Brigham Personalized Medicine
Classification: Likely benign. Last evaluated: 2013-08-07. Review status: criteria provided, single submitter. Criteria: LMM Criteria. Collection method: clinical testing. Allele origin: germline. Observed: 1 variant allele.
Comment: Ala446Gly in exon 10 of VCL: This variant is not expected to have clinical signi ficance due to a lack of evolutionary conservation. Of note, 4 mammals (rat, mou se, cow, and hedgehog) have a glycine (Gly) at this position despite high nearby amino acid conservation, suggesting that this change is tolerated.

NM_014000.3(VCL):c.1337C>G (p.Ala446Gly)

Gene: VCL (vinculin; plus strand). Cytogenetic location: 10q22.2.
Variant type: single nucleotide variant.
Coding change: c.1337C>G on transcript NM_014000.3 (MANE Select); coding-DNA position 1337, C replaced by G.
Protein change: p.Ala446Gly; replaces alanine 446 with glycine.
Molecular consequence: missense variant.
Genome position (GRCh38, 1-based): chr10:74,090,183, C>G. VCF-style: chr10-74090183-C-G. GRCh37 (hg19) VCF-style: chr10-75849941-C-G.
Other names: c.1337C>G, p.Ala446Gly (NM_003373.4); short protein forms A446G.
Identifiers: ClinVar variation 179157 (VCV000179157.13), dbSNP rs727504675, ClinGen allele CA183834.